The following is an entry in ClinVar:

NM_002890.3(RASA1):c.1495delinsCTACC (p.Gly499fs)

Genes: CCNH (cyclin H; minus strand), RASA1 (RAS p21 protein activator 1; plus strand). Cytogenetic location: 5q14.3.
Variant type: Indel.
Coding change: c.1495delinsCTACC on transcript NM_002890.3 (MANE Select); coding-DNA position 1495, G replaced by CTACC.
Protein change: p.Gly499fs; shifts the reading frame from glycine 499.
Molecular consequence: frameshift variant. On other transcripts: intron variant (1).
Genome position (GRCh38, 1-based): chr5:87,363,389, G replaced by CTACC. VCF-style: chr5-87363389-G-CTACC. GRCh37 (hg19) VCF-style: chr5-86659206-G-CTACC.
Other names: c.964delinsCTACC, p.Gly322fs (NM_022650.3); c.933+31655delinsGGTAG (NM_001364075.2); short protein forms G322fs, G499fs.
Identifiers: ClinVar variation 3391505 (VCV003391505.1).

ClinVar aggregate classification (germline): Likely pathogenic (1 of 4 stars; one submission).

Submission:

GeneDx
Classification: Likely pathogenic. Last evaluated: 2024-06-18. Review status: criteria provided, single submitter. Criteria: GeneDx Variant Classification Process June 2021. Collection method: clinical testing. Allele origin: germline. Affected: yes.
Comment: Frameshift variant predicted to result in protein truncation or nonsense mediated decay in a gene for which loss of function is a known mechanism of disease; Not observed at significant frequency in large population cohorts (gnomAD); Has not been previously published as pathogenic or benign to our knowledge